The following is an entry in ClinVar:

NM_003924.4(PHOX2B):c.582C>A (p.Ser194Arg)

Gene: PHOX2B (paired like homeobox 2B; minus strand). Cytogenetic location: 4p13.
Variant type: single nucleotide variant.
Coding change: c.582C>A on transcript NM_003924.4 (MANE Select); coding-DNA position 582, C replaced by A.
Protein change: p.Ser194Arg; replaces serine 194 with arginine.
Molecular consequence: missense variant.
Genome position (GRCh38, 1-based): chr4:41,746,170, G>T on the plus strand (C>A on the coding strand, the complement: PHOX2B is on the minus strand). VCF-style: chr4-41746170-G-T. GRCh37 (hg19) VCF-style: chr4-41748187-G-T.
Other names: short protein forms S194R.
Identifiers: ClinVar variation 3223589 (VCV003223589.1), dbSNP rs2552096875, ClinGen allele CA356737894.

ClinVar aggregate classification (germline): Uncertain significance (1 of 4 stars; one submission).

Conditions:
Hereditary cancer-predisposing syndrome. Also called: Tumor predisposition; Hereditary neoplastic syndrome; Hereditary Cancer Syndrome; Neoplastic Syndromes, Hereditary. Identifiers: Orphanet 140162, MedGen C0027672, MeSH D009386, MONDO:0015356.

Allele frequency attached by ClinVar (database versions not stated): gnomAD exomes below 0.00001.
gnomAD v4.1: 2 of 1,613,318 alleles (0.00012%); highest among the groups gnomAD compares: Admixed American, 0.0033%; no homozygotes.

Submission:

Ambry Genetics
Classification: Uncertain significance for Hereditary cancer-predisposing syndrome. Last evaluated: 2023-11-15. Review status: criteria provided, single submitter. Criteria: Ambry Variant Classification Scheme 2023. Collection method: clinical testing. Allele origin: germline.
Comment: The p.S194R variant (also known as c.582C>A), located in coding exon 3 of the PHOX2B gene, results from a C to A substitution at nucleotide position 582. The serine at codon 194 is replaced by arginine, an amino acid with dissimilar properties. This amino acid position is conserved. In addition, the in silico prediction for this alteration is inconclusive. Since supporting evidence is limited at this time, the clinical significance of this alteration remains unclear.